The following is an entry in ClinVar:

NM_025219.3(DNAJC5):c.-59CGGAGCCG[3]

Gene: DNAJC5 (DnaJ heat shock protein family (Hsp40) member C5; plus strand). Cytogenetic location: 20q13.33.
Variant type: Microsatellite.
Coding change: c.-59CGGAGCCG[3] on transcript NM_025219.3 (MANE Select); three copies in a row of the 8-base unit CGGAGCCG starting at c.-59; the reference has two copies in a row; one copy, 8 bases duplicated.
Molecular consequence: 5 prime UTR variant.
Genome position (GRCh38, 1-based): chr20:63,895,284-63,895,291, CGGAGCCG duplicated; duplicating any 8 consecutive bases within chr20:63,895,275-63,895,291 gives the same sequence; the position shown is the placement nearest the transcript's 3' end. VCF-style (leftmost placement, unchanged base first): chr20-63895274-A-AGCGGAGCC. GRCh37 (hg19) VCF-style: chr20-62526627-A-AGCGGAGCC.
Identifiers: ClinVar variation 418748 (VCV000418748.1), dbSNP rs1345043761, ClinGen allele CA16620983.
Genomic context (GRCh38, chr20:63,895,274, plus strand): 5'-CCCGGGGTCTCCAGGCTGAGGAGTGCGTCGGCCGCTGCCCAGCAGCGCCGCGAATCGGGG[A>AGCGGAGCC]GCGGAGCCGCGGAGCCGGCGGGAGGGCGGGCGGGCGGGCGGACGGGCAGGTGAGCTCGCT-3'

ClinVar aggregate classification (germline): Likely benign (1 of 4 stars; one submission).

Submission:

GeneDx
Classification: Likely benign. Last evaluated: 2017-12-05. Review status: criteria provided, single submitter. Criteria: GeneDx Variant Classification (06012015). Collection method: clinical testing. Allele origin: germline. Affected: yes.
Comment: This variant is considered likely benign or benign based on one or more of the following criteria: it is a conservative change, it occurs at a poorly conserved position in the protein, it is predicted to be benign by multiple in silico algorithms, and/or has population frequency not consistent with disease.